The following is an entry in ClinVar:

NM_000106.6(CYP2D6):c.1012G>A (p.Val338Met)

Gene: CYP2D6 (cytochrome P450 family 2 subfamily D member 6 (gene/pseudogene); minus strand). Cytogenetic location: 22q13.2.
Variant type: single nucleotide variant.
Coding change: c.1012G>A on transcript NM_000106.6 (MANE Select); coding-DNA position 1012, G replaced by A.
Protein change: p.Val338Met; replaces valine 338 with methionine.
Molecular consequence: missense variant.
Genome position (GRCh38, 1-based): chr22:42,127,608, C>T on the plus strand (G>A on the coding strand, the complement: CYP2D6 is on the minus strand). VCF-style: chr22-42127608-C-T. GRCh37 (hg19) VCF-style: chr22-42523610-C-T.
Other names: c.1012G>A, p.Val338Met (LRG_303t1); c.859G>A, p.Val287Met (NM_001025161.3); short protein forms V338M, V287M.
Identifiers: ClinVar variation 598263 (VCV000598263.8), dbSNP rs59421388, ClinGen allele CA10264686.
Genomic context (GRCh38, chr22:42,127,608, plus strand): 5'-CAGTGGTGTAGGGCATGTGAGCCTGGTCACCCATCTCTGGTCGCCGCACCTGCCCTATCA[C>T]GTCGTCGATCTCCTGTTGGACACGGCCTGGACAGACATGCGTCCCCACAATGGGTCAGCA-3'
Protein context (NP_000097.3, residues 328-348): QRRVQQEIDD[Val338Met]IGQVRRPEMG

ClinVar aggregate classification (germline): Likely benign; other. Review status: criteria provided, multiple submitters, no conflicts (2 of 4 stars). 3 submissions from 3 submitters: Likely benign (2). Last evaluated 2018-08-06.

Allele frequency attached by ClinVar (database versions not stated): gnomAD exomes 0.00673; gnomAD 0.02501 and 0.02682; 1000 Genomes Project 0.02875; ESP Exome Variant Server 0.03253; TOPMed 0.03000; ExAC 0.00837; 1000 Genomes Project 30x 0.03092.
gnomAD v4.1: 7,560 of 1,611,318 alleles (0.47%); highest among the groups gnomAD compares: African/African-American, 8.8%; 366 homozygotes.

Submissions (3):

Eurofins Ntd Llc (ga)
Classification: other. Last evaluated: 2018-08-06. Review status: criteria provided, single submitter. Criteria: EGL ClinVar v180209 classification definitions. Collection method: clinical testing. Allele origin: germline.

GeneDx
Classification: Likely benign. Last evaluated: 2018-04-12. Review status: criteria provided, single submitter. Criteria: GeneDx Variant Classification (06012015). Collection method: clinical testing. Allele origin: germline. Affected: yes.
Comment: This variant is considered likely benign or benign based on one or more of the following criteria: it is a conservative change, it occurs at a poorly conserved position in the protein, it is predicted to be benign by multiple in silico algorithms, and/or has population frequency not consistent with disease.

Breakthrough Genomics
Classification: Likely benign. Review status: criteria provided, single submitter. Criteria: ACMG Guidelines, 2015. Collection method: not provided. Allele origin: germline. Inheritance: Autosomal recessive inheritance. Affected: yes.